The following is an entry in ClinVar:

ClinVar aggregate classification (germline): Pathogenic. Review status: criteria provided, multiple submitters, no conflicts (2 of 4 stars). 3 submissions from 3 submitters: Pathogenic (3). Last evaluated 2025-07-30.

Conditions:
Hereditary nonpolyposis colorectal neoplasms. Identifiers: MedGen C0009405, MeSH D003123.
Hereditary cancer-predisposing syndrome. Also called: Neoplastic Syndromes, Hereditary; Tumor predisposition; Hereditary Cancer Syndrome; Hereditary neoplastic syndrome. Identifiers: Orphanet 140162, MedGen C0027672, MeSH D009386, MONDO:0015356.
Lynch syndrome 5 (LYNCH5). Also called: Hereditary non-polyposis colorectal cancer, type 5; Colorectal cancer, hereditary nonpolyposis, type 5. Identifiers: Orphanet 144, MedGen C1833477, MONDO:0013710, OMIM 614350. Disease mechanism: loss of function.

Submissions (3):

Labcorp Genetics (formerly Invitae), Labcorp
Classification: Pathogenic for Hereditary nonpolyposis colorectal neoplasms. Last evaluated: 2025-07-30. Review status: criteria provided, single submitter. Criteria: Invitae Variant Classification Sherloc (09022015). Collection method: clinical testing. Allele origin: germline.
Comment: This sequence change creates a premature translational stop signal (p.Glu1163*) in the MSH6 gene. It is expected to result in an absent or disrupted protein product. Loss-of-function variants in MSH6 are known to be pathogenic (PMID: 18269114, 24362816). This variant is not present in population databases (gnomAD no frequency). This premature translational stop signal has been observed in individual(s) with clinical features of Lynch syndrome (PMID: 26437257). ClinVar contains an entry for this variant (Variation ID: 1731877). For these reasons, this variant has been classified as Pathogenic.

Ambry Genetics
Classification: Pathogenic for Hereditary cancer-predisposing syndrome. Last evaluated: 2025-05-29. Review status: criteria provided, single submitter. Criteria: Ambry Variant Classification Scheme 2023. Collection method: clinical testing. Allele origin: germline.
Comment: The c.3486dupT pathogenic mutation, located in coding exon 6 of the MSH6 gene, results from a duplication of T at nucleotide position 3486, causing a translational frameshift with a predicted alternate stop codon (p.E1163*). A different alteration resulting in the same stop codon, c.3487G>T, has been identified in individuals diagnosed with ovarian and colon cancer (Vierkoetter KR et al. Gynecol Oncol, 2014 Oct;135:81-4; Carneiro da Silva F et al. PLoS One, 2015 Oct;10:e0139753) and in an individual with suspected Lynch Syndrome (Rossi BM et al. BMC Cancer, 2017 Sep;17:623). This same alteration, c.3487G>T, was also identified in 1/10030 consecutive patients referred for evaluation by an NGS hereditary cancer panel (Susswein LR et al. Genet Med, 2016 08;18:823-32). In addition to the clinical data presented in the literature, this alteration is expected to result in loss of function by premature protein truncation or nonsense-mediated mRNA decay. As such, this alteration is interpreted as a disease-causing mutation.

Myriad Genetics, Inc.
Classification: Pathogenic for Lynch syndrome 5. Last evaluated: 2023-08-24. Review status: criteria provided, single submitter. Criteria: Myriad Autosomal Dominant, Autosomal Recessive and X-Linked Classification Criteria (2023). Collection method: clinical testing. Allele origin: unknown.
Comment: This variant is considered pathogenic. This variant creates a termination codon and is predicted to result in premature protein truncation.

Literature cited by the submitters: PubMed 18269114 (cited by Labcorp Genetics (formerly Invitae), Labcorp); PubMed 24362816 (cited by Labcorp Genetics (formerly Invitae), Labcorp); PubMed 26437257 (cited by Labcorp Genetics (formerly Invitae), Labcorp and Ambry Genetics); PubMed 25093288 (cited by Ambry Genetics); PubMed 26681312 (cited by Ambry Genetics); PubMed 28874130 (cited by Ambry Genetics).

NM_000179.3(MSH6):c.3486dup (p.Glu1163Ter)

Gene: MSH6 (mutS homolog 6; plus strand). Cytogenetic location: 2p16.3.
Variant type: Duplication.
Coding change: c.3486dup on transcript NM_000179.3 (MANE Select); coding-DNA position 3486, one base duplicated (T; older notation c.3486dupT).
Protein change: p.Glu1163Ter; replaces glutamic acid 1163 with a stop codon.
Molecular consequence: nonsense. On other transcripts: frameshift variant (39).
Genome position (GRCh38, 1-based): chr2:47,804,957, T duplicated. VCF-style (leftmost placement, unchanged base first): chr2-47804956-C-CT. GRCh37 (hg19) VCF-style: chr2-48032095-C-CT.
Other names: c.3096dup, p.Glu1033Ter (NM_001281492.2); c.2580dup, p.Glu861Ter (NM_001281493.2, NM_001281494.2); c.3582dup, p.Glu1195Terfs (NM_001406795.1, NM_001406802.1); c.3486dup, p.Glu1163Terfs (NM_001406796.1, NM_001406800.1, NM_001406808.1 and 1 more transcripts); c.3189dup, p.Glu1064Terfs (NM_001406797.1, NM_001406801.1, NM_001406805.1 and 10 more transcripts); c.3312dup, p.Glu1105Terfs (NM_001406798.1); c.2961dup, p.Glu988Terfs (NM_001406799.1, NM_001406806.1, NM_001406807.1); c.2622dup, p.Glu875Terfs (NM_001406803.1); and 9 more; short protein forms E1033*, E861*, E1163*.
Identifiers: ClinVar variation 1731877 (VCV001731877.5), dbSNP rs2530801441, ClinGen allele CA2580067158.